The following is an entry in ClinVar:

NM_000135.4(FANCA):c.81_82delinsTT (p.Gly28Ter)

Gene: FANCA (FA complementation group A; minus strand). Cytogenetic location: 16q24.3.
Variant type: Indel.
Coding change: c.81_82delinsTT on transcript NM_000135.4 (MANE Select); coding-DNA positions 81 to 82, GG replaced by TT.
Protein change: p.Gly28Ter; replaces glycine 28 with a stop codon.
Molecular consequence: nonsense.
Genome position (GRCh38, 1-based): chr16:89,815,984-89,815,985, CC replaced by AA on the plus strand (GG replaced by TT on the coding strand, the reverse complement: FANCA is on the minus strand). VCF-style: chr16-89815984-CC-AA. GRCh37 (hg19) VCF-style: chr16-89882392-CC-AA.
Other names: c.81_82delinsTT, p.Gly28Ter (NM_001018112.3, NM_001286167.3, NM_001351830.2); short protein forms G28*.
Identifiers: ClinVar variation 2032663 (VCV002032663.4), dbSNP rs2544390572, ClinGen allele CA2580092402.
Genomic context (GRCh38, chr16:89,815,984, plus strand): 5'-CAGCTGATTCCTTTAATTTCTGTGCCCTTTCAGGATTATATTTTTCCCTCTTGACCCTTC[CC>AA]GCTACGGAGAGAAGTCGGTTCGAAACCATCACAGCACAATTCACACACGGGGTCCCCGGC-3'

ClinVar aggregate classification (germline): Pathogenic (1 of 4 stars; one submission).

Conditions:
Fanconi anemia (FA). Also called: Fanconi's anemia. Identifiers: Orphanet 84, MedGen C0015625, MeSH D005199, MONDO:0019391.

Submission:

Labcorp Genetics (formerly Invitae), Labcorp
Classification: Pathogenic for Fanconi anemia. Last evaluated: 2022-09-26. Review status: criteria provided, single submitter. Criteria: Invitae Variant Classification Sherloc (09022015). Collection method: clinical testing. Allele origin: germline.
Comment: Information on the frequency of this variant in the gnomAD database is not available, as this variant may be reported differently in the database. This sequence change creates a premature translational stop signal (p.Gly28*) in the FANCA gene. It is expected to result in an absent or disrupted protein product. Loss-of-function variants in FANCA are known to be pathogenic (PMID: 19367192). This variant has not been reported in the literature in individuals affected with FANCA-related conditions. For these reasons, this variant has been classified as Pathogenic.

Literature cited by the submitters: PubMed 19367192.